The following is an entry in ClinVar:

NM_015447.4(CAMSAP1):c.2792G>C (p.Arg931Thr)

Gene: CAMSAP1 (calmodulin regulated spectrin associated protein 1; minus strand). Cytogenetic location: 9q34.3.
Variant type: single nucleotide variant.
Coding change: c.2792G>C on transcript NM_015447.4 (MANE Select); coding-DNA position 2792, G replaced by C.
Protein change: p.Arg931Thr; replaces arginine 931 with threonine.
Molecular consequence: missense variant.
Genome position (GRCh38, 1-based): chr9:135,821,869, C>G on the plus strand (G>C on the coding strand, the complement: CAMSAP1 is on the minus strand). VCF-style: chr9-135821869-C-G. GRCh37 (hg19) VCF-style: chr9-138713715-C-G.
Other names: c.1958G>C, p.Arg653Thr (NM_001411031.1); short protein forms R653T, R931T.
Identifiers: ClinVar variation 3381413 (VCV003381413.1).

ClinVar aggregate classification (germline): Uncertain significance (1 of 4 stars; one submission).

Submission:

GeneDx
Classification: Uncertain significance. Last evaluated: 2024-05-24. Review status: criteria provided, single submitter. Criteria: GeneDx Variant Classification Process June 2021. Collection method: clinical testing. Allele origin: germline. Affected: yes.
Comment: Not observed at significant frequency in large population cohorts (gnomAD); In silico analysis supports that this missense variant has a deleterious effect on protein structure/function; Has not been previously published as pathogenic or benign to our knowledge